The following is an entry in ClinVar:

NM_002485.5(NBN):c.1025T>G (p.Leu342Arg)

Gene: NBN (nibrin; minus strand). Cytogenetic location: 8q21.3.
Variant type: single nucleotide variant.
Coding change: c.1025T>G on transcript NM_002485.5 (MANE Select); coding-DNA position 1025, T replaced by G.
Protein change: p.Leu342Arg; replaces leucine 342 with arginine.
Molecular consequence: missense variant.
Genome position (GRCh38, 1-based): chr8:89,958,824, A>C on the plus strand (T>G on the coding strand, the complement: NBN is on the minus strand). VCF-style: chr8-89958824-A-C. GRCh37 (hg19) VCF-style: chr8-90971052-A-C.
Other names: c.779T>G, p.Leu260Arg (NM_001024688.3); c.1025T>G (NM_002485.4); short protein forms L342R, L260R.
Identifiers: ClinVar variation 1490229 (VCV001490229.10), dbSNP rs1810857038, ClinGen allele CA371656762.

ClinVar aggregate classification (germline): Uncertain significance. Review status: criteria provided, multiple submitters, no conflicts (2 of 4 stars). 3 submissions from 3 submitters: Uncertain significance (3). Last evaluated 2026-03-21.

Conditions:
Hereditary cancer-predisposing syndrome. Also called: Tumor predisposition; Hereditary neoplastic syndrome; Hereditary Cancer Syndrome; Neoplastic Syndromes, Hereditary. Identifiers: Orphanet 140162, MedGen C0027672, MeSH D009386, MONDO:0015356.
Microcephaly, normal intelligence and immunodeficiency (NBS). Also called: IMMUNODEFICIENCY, MICROCEPHALY, AND CHROMOSOMAL INSTABILITY; SEEMANOVA SYNDROME II; Nijmegen breakage syndrome; Microcephaly with normal intelligence immunodeficiency and lymphoreticular malignancies; Nonsyndromal microcephaly autosomal recessive with normal intelligence; Seemanova syndrome 2. Identifiers: Orphanet 647, MedGen C0398791, MONDO:0009623, OMIM 251260.

Submissions (3):

Women's Health and Genetics/Laboratory Corporation of America, LabCorp
Classification: Uncertain significance. Last evaluated: 2026-03-21. Review status: criteria provided, single submitter. Criteria: LabCorp Variant Classification Summary - May 2015. Collection method: clinical testing. Allele origin: germline.

Ambry Genetics
Classification: Uncertain significance for Hereditary cancer-predisposing syndrome. Last evaluated: 2025-08-15. Review status: criteria provided, single submitter. Criteria: Ambry Variant Classification Scheme 2023. Collection method: clinical testing. Allele origin: germline.
Comment: The p.L342R variant (also known as c.1025T>G), located in coding exon 9 of the NBN gene, results from a T to G substitution at nucleotide position 1025. The leucine at codon 342 is replaced by arginine, an amino acid with dissimilar properties. This amino acid position is conserved. In addition, this alteration is predicted to be tolerated by in silico analysis. Based on the available evidence, the clinical significance of this variant remains unclear.

Labcorp Genetics (formerly Invitae), Labcorp
Classification: Uncertain significance for Microcephaly, normal intelligence and immunodeficiency. Last evaluated: 2023-04-06. Review status: criteria provided, single submitter. Criteria: Invitae Variant Classification Sherloc (09022015). Collection method: clinical testing. Allele origin: germline.
Comment: In summary, the available evidence is currently insufficient to determine the role of this variant in disease. Therefore, it has been classified as a Variant of Uncertain Significance. An algorithm developed to predict the effect of missense changes on protein structure and function (PolyPhen-2) suggests that this variant is likely to be disruptive. ClinVar contains an entry for this variant (Variation ID: 1490229). This variant has not been reported in the literature in individuals affected with NBN-related conditions. This variant is not present in population databases (gnomAD no frequency). This sequence change replaces leucine, which is neutral and non-polar, with arginine, which is basic and polar, at codon 342 of the NBN protein (p.Leu342Arg).